The following is an entry in ClinVar:

NM_001267550.2(TTN):c.50551+9T>C

Genes: TTN (titin; minus strand), TTN-AS1 (TTN antisense RNA 1; plus strand). Cytogenetic location: 2q31.2.
Variant type: single nucleotide variant.
Coding change: c.50551+9T>C on transcript NM_001267550.2 (MANE Select); 9 bases into the intron after coding-DNA position 50551, T replaced by C.
Molecular consequence: intron variant.
Genome position (GRCh38, 1-based): chr2:178,611,749, A>G on the plus strand (T>C on the coding strand, the complement: TTN is on the minus strand). VCF-style: chr2-178611749-A-G. GRCh37 (hg19) VCF-style: chr2-179476476-A-G.
Other names: c.45628+9T>C (NM_001256850.1); c.23356+9T>C (NM_003319.4); c.23932+9T>C (NM_133437.4); c.23731+9T>C (NM_133432.3); c.42847+9T>C (NM_133378.4).
Identifiers: ClinVar variation 513467 (VCV000513467.16), dbSNP rs370798229, ClinGen allele CA1994355.

ClinVar aggregate classification (germline): Likely benign. Review status: criteria provided, multiple submitters, no conflicts (2 of 4 stars). 6 submissions from 6 submitters: Likely benign (5). 1 of the submissions does not count toward it. Last evaluated 2025-11-09.

Conditions:
TTN-related disorder. Also called: TTN-related condition; TTN-related disease; TTN-related disorders.
Autosomal recessive limb-girdle muscular dystrophy type 2J (LGMDR10). Also called: MUSCULAR DYSTROPHY, LIMB-GIRDLE, AUTOSOMAL RECESSIVE 10; Limb-girdle muscular dystrophy, type 2J. Identifiers: Orphanet 140922, MedGen C1837342, MONDO:0012127, OMIM 608807.
Dilated cardiomyopathy 1G (CMD1G). Identifiers: Orphanet 154, MedGen C1858763, MONDO:0011400, OMIM 604145.
Cardiomyopathy (CMYO). Also called: Cardiomyopathies. Identifiers: Orphanet 167848, MedGen C0878544, MONDO:0004994, HP:0001638. Inheritance: Various modes of inheritance.

Allele frequency attached by ClinVar (database versions not stated): gnomAD exomes 0.00001 and 0.00004; ExAC 0.00005; gnomAD 0.00007 and 0.00008; ESP Exome Variant Server 0.00008; TOPMed 0.00012.
gnomAD v4.1: 19 of 1,611,364 alleles (0.0012%); highest among the groups gnomAD compares: African/African-American, 0.023%; no homozygotes.

Submissions (6):

Labcorp Genetics (formerly Invitae), Labcorp
Classification: Likely benign for Dilated cardiomyopathy 1G; Autosomal recessive limb-girdle muscular dystrophy type 2J. Last evaluated: 2025-11-09. Review status: criteria provided, single submitter. Criteria: Invitae Variant Classification Sherloc (09022015). Collection method: clinical testing. Allele origin: germline.

ARUP Laboratories, Molecular Genetics and Genomics, ARUP Laboratories
Classification: Likely benign. Last evaluated: 2025-04-08. Review status: criteria provided, single submitter. Criteria: ARUP Molecular Germline Variant Investigation Process 2024. Collection method: clinical testing. Allele origin: germline.

Women's Health and Genetics/Laboratory Corporation of America, LabCorp
Classification: Likely benign. Last evaluated: 2020-10-26. Review status: criteria provided, single submitter. Criteria: LabCorp Variant Classification Summary - May 2015. Collection method: clinical testing. Allele origin: germline.
Comment: Variant summary: TTN c.42847+9T>C alters a non-conserved nucleotide located close to a canonical splice site and therefore could affect mRNA splicing, leading to a significantly altered protein sequence. 4/4 computational tools predict no significant impact on normal splicing. However, these predictions have yet to be confirmed by functional studies. The variant allele was found at a frequency of 4.1e-05 in 246766 control chromosomes, predominantly at a frequency of 0.00058 within the African or African-American subpopulation in the gnomAD database. This frequency is higher than the estimated maximal expected allele frequency for a pathogenic variant in TTN causing Dilated Cardiomyopathy phenotype (0.00039). To our knowledge, no occurrence of c.42847+9T>C in individuals affected with Dilated Cardiomyopathy and no experimental evidence demonstrating its impact on protein function have been reported. Two clinical diagnostic laboratories have submitted clinical-significance assessments for this variant to ClinVar after 2014 without evidence for independent evaluation. Both laboratories classified the variant as likely benign. Based on the evidence outlined above, the variant was classified as likely benign.

CHEO Genetics Diagnostic Laboratory, Children's Hospital of Eastern Ontario
Classification: Likely benign for Cardiomyopathy. Last evaluated: 2019-12-24. Review status: criteria provided, single submitter. Criteria: ACMG Guidelines, 2015. Collection method: clinical testing. Allele origin: germline.

GeneDx
Classification: Likely benign. Last evaluated: 2017-11-15. Review status: criteria provided, single submitter. Criteria: GeneDx Variant Classification (06012015). Collection method: clinical testing. Allele origin: germline. Affected: yes.
Comment: This variant is considered likely benign or benign based on one or more of the following criteria: it is a conservative change, it occurs at a poorly conserved position in the protein, it is predicted to be benign by multiple in silico algorithms, and/or has population frequency not consistent with disease.

PreventionGenetics, part of Exact Sciences
Classification: Likely benign for TTN-related condition. Last evaluated: 2024-09-23. Review status: no assertion criteria provided. Collection method: clinical testing. Allele origin: germline. Not counted in ClinVar's aggregate classification.
Comment: This variant is classified as likely benign based on ACMG/AMP sequence variant interpretation guidelines (Richards et al. 2015 PMID: 25741868, with internal and published modifications).